The following is an entry in ClinVar:

ClinVar aggregate classification (germline): Pathogenic (1 of 4 stars; one submission).

Conditions:
Rare genetic deafness. Identifiers: Orphanet 96210, MedGen C5680250.

Submission:

Laboratory for Molecular Medicine, Mass General Brigham Personalized Medicine
Classification: Pathogenic for Rare genetic deafness. Last evaluated: 2019-07-24. Review status: criteria provided, single submitter. Criteria: LMM Criteria. Collection method: clinical testing. Allele origin: germline. Inheritance: Autosomal recessive inheritance. Observed: 1 variant allele.
Comment: The deletion of exons 59-62 in MYO15A has not been previously reported in individuals with hearing loss or in large population studies. This deletion removes exons 59 through 62 and is predicted to alter the reading frame. Therefore, it is likely to result in a truncated or absent protein. Loss of function of the MYO15A gene is an established disease mechanism in autosomal recessive hearing loss. In summary, this variant meets criteria to be classified as pathogenic for autosomal recessive hearing loss. ACMG/AMP Criteria applied: PVS1, PM2, PM3.

NM_016239.4(MYO15A):c.9612+9_10082del

Gene: MYO15A (myosin XVA; plus strand). Cytogenetic location: 17p11.2.
Variant type: Deletion.
Coding change: c.9612+9_10082del on transcript NM_016239.4 (MANE Select); 9 bases into the intron after coding-DNA position 9612 through coding-DNA position 10082, 5,036 bases deleted.
Molecular consequence: splice acceptor variant, splice donor variant.
Genome position (GRCh38, 1-based): chr17:18,162,688-18,167,723, 5,036 bases deleted. GRCh37 (hg19): chr17:18,066,002-18,071,037.
Identifiers: ClinVar variation 930034 (VCV000930034.4), ClinGen allele CA1139665255.